The following is an entry in ClinVar:

ClinVar aggregate classification (germline): Uncertain significance (1 of 4 stars; one submission).

Conditions:
Neurodevelopmental disorder. Identifiers: MedGen C1535926, MeSH D065886, MONDO:0700092.

gnomAD v4.1: 1 of 1,613,338 alleles (0.000062%); highest among the groups gnomAD compares: Non-Finnish European, 0.000085%; no homozygotes.

Submission:

Victorian Clinical Genetics Services, Murdoch Childrens Research Institute
Classification: Uncertain significance for Neurodevelopmental disorder. Last evaluated: 2025-04-16. Review status: criteria provided, single submitter. Criteria: ACMG Guidelines, 2015. Collection method: clinical testing. Allele origin: germline. Affected: yes.
Comment: This variant is classified as VUS-3B. Evidence in support of pathogenic classification: Variant is present in gnomAD <0.01 (v4: 1 heterozygote(s), 0 homozygote(s)). Additional information: Variant is predicted to result in a missense amino acid change from valine to alanine; This variant is heterozygous; This gene is associated with both recessive and dominant disease (PMID: 38988293); This variant has no previous evidence of pathogenicity; No published segregation evidence has been identified for this variant; No published functional evidence has been identified for this variant; No comparable missense variants have previous evidence for pathogenicity; Variant is not located in an established domain, motif, hotspot or informative constraint region; Missense variant with inconclusive in silico prediction and/or uninformative conservation; Loss of function is a known mechanism of disease in this gene and is associated with neurodevelopmental disorder (MONDO:0700092), ANK3-related; Inheritance information for this variant is not currently available in this individual.

Literature cited by the submitters: PubMed 38988293.

NM_020987.5(ANK3):c.3566T>C (p.Val1189Ala)

Gene: ANK3 (ankyrin 3; minus strand). Cytogenetic location: 10q21.2.
Variant type: single nucleotide variant.
Coding change: c.3566T>C on transcript NM_020987.5 (MANE Select); coding-DNA position 3566, T replaced by C.
Protein change: p.Val1189Ala; replaces valine 1189 with alanine.
Molecular consequence: missense variant.
Genome position (GRCh38, 1-based): chr10:60,086,859, A>G on the plus strand (T>C on the coding strand, the complement: ANK3 is on the minus strand). VCF-style: chr10-60086859-A-G. GRCh37 (hg19) VCF-style: chr10-61846617-A-G.
Other names: c.968T>C, p.Val323Ala (NM_001149.4); c.3548T>C, p.Val1183Ala (NM_001204403.2); c.3569T>C, p.Val1190Ala (NM_001204404.2); c.3566T>C, p.Val1189Ala (NM_001320874.2); short protein forms V1183A, V1189A, V1190A, V323A.
Identifiers: ClinVar variation 4531474 (VCV004531474.1).
Genomic context (GRCh38, chr10:60,086,859, plus strand): 5'-CTTCTTGGTTCCACAGTGACAATTGGGCTAAAAGTTGCTTTGTTTCCAAGGATCTTTTTC[A>G]CAATTTCATCTGGAACAGGCTGGGCCTAGAGACAGAGAAAGGACTTTAAATGAAAGTGAC-3'
Protein context (NP_066267.2, residues 1179-1199): LQAQPVPDEI[Val1189Ala]KKILGNKATF